The following is an entry in ClinVar:

ClinVar aggregate classification (germline): Uncertain significance (1 of 4 stars; one submission).

Conditions:
Familial adenomatous polyposis 1 (FAP1). Also called: FAMILIAL ADENOMATOUS POLYPOSIS 1, ATTENUATED; POLYPOSIS, ADENOMATOUS INTESTINAL. Identifiers: MedGen C2713442, MONDO:0021056, OMIM 175100. Disease mechanism: loss of function.

Allele frequency attached by ClinVar (database versions not stated): TOPMed below 0.00001.

Submission:

Labcorp Genetics (formerly Invitae), Labcorp
Classification: Uncertain significance for Familial adenomatous polyposis 1. Last evaluated: 2022-01-13. Review status: criteria provided, single submitter. Criteria: Invitae Variant Classification Sherloc (09022015). Collection method: clinical testing. Allele origin: germline.
Comment: This variant is not present in population databases (gnomAD no frequency). Experimental studies and prediction algorithms are not available or were not evaluated, and the functional significance of this variant is currently unknown. ClinVar contains an entry for this variant (Variation ID: 469897). This variant has not been reported in the literature in individuals affected with APC-related conditions. In summary, the available evidence is currently insufficient to determine the role of this variant in disease. Therefore, it has been classified as a Variant of Uncertain Significance. This variant occurs in a non-coding region of the APC gene. It does not change the encoded amino acid sequence of the APC protein.

NC_000005.10:g.112707351T>C

Gene: APC (APC regulator of Wnt signaling pathway; plus strand). Cytogenetic location: 5q22.2.
Variant type: single nucleotide variant.
Genome position: GRCh38 VCF-style: chr5-112707351-T-C. GRCh37 (hg19) VCF-style: chr5-112043048-T-C.
Identifiers: ClinVar variation 469897 (VCV000469897.9), dbSNP rs1554060105, ClinGen allele CA658655867.